The following is an entry in ClinVar:

ClinVar aggregate classification (germline): Uncertain significance (1 of 4 stars; one submission).

Allele frequency attached by ClinVar (database versions not stated): ExAC 0.00001; TOPMed 0.00001.
gnomAD v4.1: 3 of 1,609,696 alleles (0.00019%); highest among the groups gnomAD compares: Admixed American, 0.0051%; no homozygotes.

Submission:

Labcorp Genetics (formerly Invitae), Labcorp
Classification: Uncertain significance. Last evaluated: 2023-06-23. Review status: criteria provided, single submitter. Criteria: Invitae Variant Classification Sherloc (09022015). Collection method: clinical testing. Allele origin: germline.
Comment: ClinVar contains an entry for this variant (Variation ID: 1926622). This sequence change replaces proline, which is neutral and non-polar, with serine, which is neutral and polar, at codon 1189 of the DCHS1 protein (p.Pro1189Ser). This variant is present in population databases (rs752150839, gnomAD 0.006%). This variant has not been reported in the literature in individuals affected with DCHS1-related conditions. Advanced modeling of protein sequence and biophysical properties (such as structural, functional, and spatial information, amino acid conservation, physicochemical variation, residue mobility, and thermodynamic stability) performed at Invitae indicates that this missense variant is not expected to disrupt DCHS1 protein function. In summary, the available evidence is currently insufficient to determine the role of this variant in disease. Therefore, it has been classified as a Variant of Uncertain Significance.

NM_003737.4(DCHS1):c.3565C>T (p.Pro1189Ser)

Gene: DCHS1 (dachsous cadherin-related 1; minus strand). Cytogenetic location: 11p15.4.
Variant type: single nucleotide variant.
Coding change: c.3565C>T on transcript NM_003737.4 (MANE Select); coding-DNA position 3565, C replaced by T.
Protein change: p.Pro1189Ser; replaces proline 1189 with serine.
Molecular consequence: missense variant.
Genome position (GRCh38, 1-based): chr11:6,631,726, G>A on the plus strand (C>T on the coding strand, the complement: DCHS1 is on the minus strand). VCF-style: chr11-6631726-G-A. GRCh37 (hg19) VCF-style: chr11-6652957-G-A.
Other names: short protein forms P1189S.
Identifiers: ClinVar variation 1926622 (VCV001926622.5), dbSNP rs752150839, ClinGen allele CA5860497.